The following is an entry in ClinVar:

ClinVar aggregate classification (germline): Uncertain significance. Review status: criteria provided, multiple submitters, no conflicts (2 of 4 stars). 3 submissions from 3 submitters: Uncertain significance (3). Last evaluated 2026-01-22.

Conditions:
Fanconi anemia complementation group E (FANCE). Also called: FANCE-Related Fanconi Anemia. Identifiers: Orphanet 84, MedGen C3160739, MONDO:0010953, OMIM 600901.

Allele frequency attached by ClinVar (database versions not stated): TOPMed 0.00028; ESP Exome Variant Server 0.00031; 1000 Genomes Project 0.00100; 1000 Genomes Project 30x 0.00125.
gnomAD v4.1: 130 of 1,614,186 alleles (0.0081%); highest among the groups gnomAD compares: African/African-American, 0.11%; 1 homozygote.

Submissions (3):

Labcorp Genetics (formerly Invitae), Labcorp
Classification: Uncertain significance for Fanconi anemia complementation group E. Last evaluated: 2026-01-22. Review status: criteria provided, single submitter. Criteria: Invitae Variant Classification Sherloc (09022015). Collection method: clinical testing. Allele origin: germline.
Comment: This sequence change replaces proline, which is neutral and non-polar, with arginine, which is basic and polar, at codon 310 of the FANCE protein (p.Pro310Arg). This variant is present in population databases (rs139600847, gnomAD 0.1%). This variant has not been reported in the literature in individuals affected with FANCE-related conditions. ClinVar contains an entry for this variant (Variation ID: 435149). Invitae Evidence Modeling of protein sequence and biophysical properties (such as structural, functional, and spatial information, amino acid conservation, physicochemical variation, residue mobility, and thermodynamic stability) indicates that this missense variant is expected to disrupt FANCE protein function with a positive predictive value of 80%. In summary, the available evidence is currently insufficient to determine the role of this variant in disease. Therefore, it has been classified as a Variant of Uncertain Significance.

Fulgent Genetics
Classification: Uncertain significance for Fanconi anemia complementation group E. Last evaluated: 2022-04-08. Review status: criteria provided, single submitter. Criteria: ACMG Guidelines, 2015. Collection method: clinical testing. Allele origin: unknown.

Genetic Services Laboratory, University of Chicago
Classification: Uncertain significance. Last evaluated: 2016-10-28. Review status: criteria provided, single submitter. Criteria: ACMG Guidelines, 2015. Collection method: clinical testing. Allele origin: germline. Affected: no.

NM_021922.3(FANCE):c.929C>G (p.Pro310Arg)

Gene: FANCE (FA complementation group E; plus strand). Cytogenetic location: 6p21.31.
Variant type: single nucleotide variant.
Coding change: c.929C>G on transcript NM_021922.3 (MANE Select); coding-DNA position 929, C replaced by G.
Protein change: p.Pro310Arg; replaces proline 310 with arginine.
Molecular consequence: missense variant.
Genome position (GRCh38, 1-based): chr6:35,457,944, C>G. VCF-style: chr6-35457944-C-G. GRCh37 (hg19) VCF-style: chr6-35425721-C-G.
Other names: short protein forms P310R.
Identifiers: ClinVar variation 435149 (VCV000435149.12), dbSNP rs139600847, ClinGen allele CA3771538.